The following is an entry in ClinVar:

NM_001009999.3(KDM1A):c.257G>A (p.Gly86Asp)

Gene: KDM1A (lysine demethylase 1A; plus strand). Cytogenetic location: 1p36.12.
Variant type: single nucleotide variant.
Coding change: c.257G>A on transcript NM_001009999.3 (MANE Select); coding-DNA position 257, G replaced by A.
Protein change: p.Gly86Asp; replaces glycine 86 with aspartic acid.
Molecular consequence: missense variant.
Genome position (GRCh38, 1-based): chr1:23,019,853, G>A. VCF-style: chr1-23019853-G-A. GRCh37 (hg19) VCF-style: chr1-23346346-G-A.
Other names: c.257G>A, p.Gly86Asp (NM_015013.4, NM_001363654.2, NM_001410762.1 and 1 more transcripts); short protein forms G86D.
Identifiers: ClinVar variation 2633235 (VCV002633235.4), dbSNP rs891037050, ClinGen allele CA338951984.
Genomic context (GRCh38, chr1:23,019,853, plus strand): 5'-CGCGGGCCTCGCCCCCCGGGGGCCTGGCGGAACCGCCGGGGTCCGCAGGGCCTCAGGCCG[G>A]CCCTACTGTCGTGCCTGGGTCTGCGACCCCCATGGAAACTGGAATAGCAGAGACTCCGGA-3'
Protein context (NP_001009999.1, residues 76-96): EPPGSAGPQA[Gly86Asp]PTVVPGSATP

ClinVar aggregate classification (germline): Uncertain significance. Review status: criteria provided, single submitter (1 of 4 stars). 2 submissions from 2 submitters: Uncertain significance (1). 1 of the submissions does not count toward it. Last evaluated 2021-04-15.

Conditions:
KDM1A-related disorder. Also called: KDM1A-related condition.

Allele frequency attached by ClinVar (database versions not stated): gnomAD exomes below 0.00001.

Submissions (2):

Blueprint Genetics
Classification: Uncertain significance. Last evaluated: 2021-04-15. Review status: criteria provided, single submitter. Criteria: ACMG Guidelines, 2015. Collection method: clinical testing. Allele origin: germline.

PreventionGenetics, part of Exact Sciences
Classification: Uncertain significance for KDM1A-related condition. Last evaluated: 2024-01-04. Review status: no assertion criteria provided. Collection method: clinical testing. Allele origin: germline. Not counted in ClinVar's aggregate classification.
Comment: The KDM1A c.257G>A variant is predicted to result in the amino acid substitution p.Gly86Asp. To our knowledge, this variant has not been reported in the literature or in a large population database, indicating this variant is rare. At this time, the clinical significance of this variant is uncertain due to the absence of conclusive functional and genetic evidence.